The following is an entry in ClinVar:

ClinVar aggregate classification (germline): Uncertain significance (1 of 4 stars; one submission).

Allele frequency attached by ClinVar (database versions not stated): gnomAD 0.00001.
gnomAD v4.1: 6 of 1,613,960 alleles (0.00037%); highest among the groups gnomAD compares: African/African-American, 0.0013%; no homozygotes.

Submission:

Labcorp Genetics (formerly Invitae), Labcorp
Classification: Uncertain significance. Last evaluated: 2022-08-16. Review status: criteria provided, single submitter. Criteria: Invitae Variant Classification Sherloc (09022015). Collection method: clinical testing. Allele origin: germline.
Comment: This sequence change replaces alanine, which is neutral and non-polar, with threonine, which is neutral and polar, at codon 243 of the SPRY4 protein (p.Ala243Thr). This variant is not present in population databases (gnomAD no frequency). This variant has not been reported in the literature in individuals affected with SPRY4-related conditions. ClinVar contains an entry for this variant (Variation ID: 1354009). Algorithms developed to predict the effect of missense changes on protein structure and function are either unavailable or do not agree on the potential impact of this missense change (SIFT: "Tolerated"; PolyPhen-2: "Probably Damaging"; Align-GVGD: "Class C0"). In summary, the available evidence is currently insufficient to determine the role of this variant in disease. Therefore, it has been classified as a Variant of Uncertain Significance.

NM_001127496.3(SPRY4):c.658G>A (p.Ala220Thr)

Gene: SPRY4 (sprouty RTK signaling antagonist 4; minus strand). Cytogenetic location: 5q31.3.
Variant type: single nucleotide variant.
Coding change: c.658G>A on transcript NM_001127496.3 (MANE Select); coding-DNA position 658, G replaced by A.
Protein change: p.Ala220Thr; replaces alanine 220 with threonine.
Molecular consequence: missense variant.
Genome position (GRCh38, 1-based): chr5:142,314,451, C>T on the plus strand (G>A on the coding strand, the complement: SPRY4 is on the minus strand). VCF-style: chr5-142314451-C-T. GRCh37 (hg19) VCF-style: chr5-141694016-C-T.
Other names: c.658G>A, p.Ala220Thr (NM_001293289.3, NM_001293290.3); c.727G>A, p.Ala243Thr (NM_030964.5); short protein forms A243T, A220T.
Identifiers: ClinVar variation 1354009 (VCV001354009.6), dbSNP rs1262579331, ClinGen allele CA361599739.